The following is an entry in ClinVar:

NM_005996.4(TBX3):c.2079G>C (p.Glu693Asp)

Gene: TBX3 (T-box transcription factor 3; minus strand). Cytogenetic location: 12q24.21.
Variant type: single nucleotide variant.
Coding change: c.2079G>C on transcript NM_005996.4 (MANE Select); coding-DNA position 2079, G replaced by C.
Protein change: p.Glu693Asp; replaces glutamic acid 693 with aspartic acid.
Molecular consequence: missense variant.
Genome position (GRCh38, 1-based): chr12:114,671,934, C>G on the plus strand (G>C on the coding strand, the complement: TBX3 is on the minus strand). VCF-style: chr12-114671934-C-G. GRCh37 (hg19) VCF-style: chr12-115109739-C-G.
Other names: c.2139G>C, p.Glu713Asp (NM_016569.4); short protein forms E693D, E713D.
Identifiers: ClinVar variation 3351710 (VCV003351710.2).

ClinVar aggregate classification (germline): Uncertain significance (1 of 4 stars; one submission).

Conditions:
TBX3-related disorder. Also called: TBX3-related condition.

Submission:

PreventionGenetics, part of Exact Sciences
Classification: Uncertain significance for TBX3-related condition. Last evaluated: 2025-09-03. Review status: criteria provided, single submitter. Criteria: ACMG Guidelines, 2015. Collection method: clinical testing. Allele origin: germline.
Comment: The TBX3 c.2139G>C variant is predicted to result in the amino acid substitution p.Glu713Asp. To our knowledge, this variant has not been reported in the literature. This variant is reported in 0.0032% of alleles in individuals of European (Non-Finnish) descent in gnomAD. At this time, the clinical significance of this variant is uncertain due to the absence of conclusive functional and genetic evidence.